The following is an entry in ClinVar:

ClinVar aggregate classification (germline): Uncertain significance (1 of 4 stars; one submission).

Conditions:
BAP1-related tumor predisposition syndrome (TPDS1). Also called: BAP1 tumor predisposition syndrome; Tumor susceptibility linked to germline BAP1 mutations; COMMON Syndrome; TUMOR PREDISPOSITION SYNDROME 1. Identifiers: Orphanet 289539, MedGen C3280492, MONDO:0013692, OMIM 614327.

Submission:

Labcorp Genetics (formerly Invitae), Labcorp
Classification: Uncertain significance for BAP1-related tumor predisposition syndrome. Last evaluated: 2024-02-12. Review status: criteria provided, single submitter. Criteria: Invitae Variant Classification Sherloc (09022015). Collection method: clinical testing. Allele origin: germline.
Comment: This sequence change replaces aspartic acid, which is acidic and polar, with tyrosine, which is neutral and polar, at codon 34 of the BAP1 protein (p.Asp34Tyr). This variant is not present in population databases (gnomAD no frequency). This variant has not been reported in the literature in individuals affected with BAP1-related conditions. ClinVar contains an entry for this variant (Variation ID: 1722290). Advanced modeling of protein sequence and biophysical properties (such as structural, functional, and spatial information, amino acid conservation, physicochemical variation, residue mobility, and thermodynamic stability) performed at Invitae indicates that this missense variant is expected to disrupt BAP1 protein function with a positive predictive value of 80%. In summary, the available evidence is currently insufficient to determine the role of this variant in disease. Therefore, it has been classified as a Variant of Uncertain Significance.

NM_004656.4(BAP1):c.100G>T (p.Asp34Tyr)

Gene: BAP1 (BRCA1 associated deubiquitinase 1; minus strand). Cytogenetic location: 3p21.1.
Variant type: single nucleotide variant.
Coding change: c.100G>T on transcript NM_004656.4 (MANE Select); coding-DNA position 100, G replaced by T.
Protein change: p.Asp34Tyr; replaces aspartic acid 34 with tyrosine.
Molecular consequence: missense variant.
Genome position (GRCh38, 1-based): chr3:52,409,576, C>A on the plus strand (G>T on the coding strand, the complement: BAP1 is on the minus strand). VCF-style: chr3-52409576-C-A. GRCh37 (hg19) VCF-style: chr3-52443592-C-A.
Other names: c.100G>T, p.Asp34Tyr (NM_001410772.1); short protein forms D34Y.
Identifiers: ClinVar variation 1722290 (VCV001722290.6), dbSNP rs2153228530, ClinGen allele CA353114591.
Genomic context (GRCh38, chr3:52,409,576, plus strand): 5'-CTGGGTGTAAGGGGCAGCCCTGGTGTACAGCCACTCACCCCTGACATTTGCTCTGAAGGT[C>A]GTAGATCTCCTCCACTTGCACCCCCTTGACACCTGCGATGAGGAAAGGAAAGCAGTAGGG-3'
Protein context (NP_004647.1, residues 24-44): VKGVQVEEIY[Asp34Tyr]LQSKCQGPVY